The following is an entry in ClinVar:

ClinVar aggregate classification (germline): Pathogenic (1 of 4 stars; one submission).

Conditions:
Developmental and epileptic encephalopathy, 42 (DEE42A). Also called: DEVELOPMENTAL AND EPILEPTIC ENCEPHALOPATHY 42A; EPILEPTIC ENCEPHALOPATHY, EARLY INFANTILE, 42A; Epileptic encephalopathy, early infantile, 42. Identifiers: MedGen C4310716, MONDO:0014917, OMIM 617106.
Episodic ataxia type 2 (EA2). Also called: ACETAZOLAMIDE-RESPONSIVE HEREDITARY PAROXYSMAL CEREBELLAR ATAXIA; ATAXIA, EPISODIC, WITH NYSTAGMUS; ATAXIA, FAMILIAL PAROXYSMAL; CEREBELLAR ATAXIA, PAROXYSMAL, ACETAZOLAMIDE-RESPONSIVE; CEREBELLOPATHY, HEREDITARY PAROXYSMAL; EPISODIC ATAXIA, NYSTAGMUS-ASSOCIATED. Identifiers: Orphanet 97, MedGen C1720416, MONDO:0007163, OMIM 108500.

Submission:

Labcorp Genetics (formerly Invitae), Labcorp
Classification: Pathogenic for Developmental and epileptic encephalopathy, 42; Episodic ataxia type 2. Last evaluated: 2023-12-21. Review status: criteria provided, single submitter. Criteria: Invitae Variant Classification Sherloc (09022015). Collection method: clinical testing. Allele origin: germline.
Comment: This sequence change creates a premature translational stop signal (p.Ala19Glnfs*69) in the CACNA1A gene. It is expected to result in an absent or disrupted protein product. Loss-of-function variants in CACNA1A are known to be pathogenic (PMID: 10371528, 19486177, 25735478, 27250579). This variant is not present in population databases (gnomAD no frequency). This variant has not been reported in the literature in individuals affected with CACNA1A-related conditions. For these reasons, this variant has been classified as Pathogenic.

Literature cited by the submitters: PubMed 10371528; PubMed 19486177; PubMed 25735478; PubMed 27250579.

NM_001127222.2(CACNA1A):c.51del (p.Ala19fs)

Gene: CACNA1A (calcium voltage-gated channel subunit alpha1 A; minus strand). Cytogenetic location: 19p13.13.
Variant type: Deletion.
Coding change: c.51del on transcript NM_001127222.2 (MANE Select); coding-DNA position 51, one base deleted (C; older notation c.51delC).
Protein change: p.Ala19fs; shifts the reading frame from alanine 19.
Molecular consequence: frameshift variant.
Genome position (GRCh38, 1-based): chr19:13,506,174, G deleted on the plus strand (C on the coding strand, the reverse complement: CACNA1A is on the minus strand); the first of 2 consecutive G bases (chr19:13,506,174-13,506,175); deleting either gives the same sequence. VCF-style (leftmost placement, unchanged base first): chr19-13506173-CG-C. GRCh37 (hg19) VCF-style: chr19-13616987-CG-C.
Other names: c.51del, p.Ala19fs (NM_000068.4, NM_001127221.2, NM_001174080.2 and 1 more transcripts); short protein forms A19fs.
Identifiers: ClinVar variation 2921621 (VCV002921621.3), dbSNP rs2513710096, ClinGen allele CA2740091967.